The following is an entry in ClinVar:

NM_181672.3(OGT):c.2541T>G (p.Phe847Leu)

Gene: OGT (O-linked N-acetylglucosamine (GlcNAc) transferase; plus strand). Cytogenetic location: Xq13.1.
Variant type: single nucleotide variant.
Coding change: c.2541T>G on transcript NM_181672.3 (MANE Select); coding-DNA position 2541, T replaced by G.
Protein change: p.Phe847Leu; replaces phenylalanine 847 with leucine.
Molecular consequence: missense variant.
Genome position (GRCh38, 1-based): chrX:71,564,705, T>G. VCF-style: chrX-71564705-T-G. GRCh37 (hg19) VCF-style: chrX-70784555-T-G.
Other names: c.2511T>G, p.Phe837Leu (NM_181673.3); short protein forms F837L, F847L.
Identifiers: ClinVar variation 1304341 (VCV001304341.3), dbSNP rs2147691095, ClinGen allele CA413569231.

ClinVar aggregate classification (germline): Uncertain significance (1 of 4 stars; one submission).

Submission:

GeneDx
Classification: Uncertain significance. Last evaluated: 2024-10-06. Review status: criteria provided, single submitter. Criteria: GeneDx Variant Classification Process June 2021. Collection method: clinical testing. Allele origin: germline. Affected: yes.
Comment: Not observed at significant frequency in large population cohorts (gnomAD); In silico analysis supports that this missense variant has a deleterious effect on protein structure/function; Has not been previously published as pathogenic or benign to our knowledge